The following is an entry in ClinVar:

NM_153704.6(TMEM67):c.1268A>G (p.Asn423Ser)

Gene: TMEM67 (transmembrane protein 67; plus strand). Cytogenetic location: 8q22.1.
Variant type: single nucleotide variant.
Coding change: c.1268A>G on transcript NM_153704.6 (MANE Select); coding-DNA position 1268, A replaced by G.
Protein change: p.Asn423Ser; replaces asparagine 423 with serine.
Molecular consequence: missense variant. On other transcripts: non-coding transcript variant (1).
Genome position (GRCh38, 1-based): chr8:93,785,358, A>G. VCF-style: chr8-93785358-A-G. GRCh37 (hg19) VCF-style: chr8-94797586-A-G.
Other names: p.Asn423Ser; c.1025A>G, p.Asn342Ser (NM_001142301.1); short protein forms N342S, N423S.
Identifiers: ClinVar variation 3348378 (VCV003348378.2).

ClinVar aggregate classification (germline): Uncertain significance. Review status: criteria provided, single submitter (1 of 4 stars). 2 submissions from 2 submitters: Uncertain significance (1). 1 of the submissions does not count toward it. Last evaluated 2025-09-27.

Conditions:
TMEM67-related disorder. Also called: TMEM67-related condition; TMEM67-related disorders. Identifiers: MedGen CN239423.

gnomAD v4.1: 6 of 1,612,620 alleles (0.00037%); highest among the groups gnomAD compares: East Asian, 0.0045%; no homozygotes.

Submissions (2):

Mayo Clinic Laboratories, Mayo Clinic
Classification: Uncertain significance. Last evaluated: 2025-09-27. Review status: criteria provided, single submitter. Criteria: ACMG Guidelines, 2015. Collection method: clinical testing. Allele origin: germline. Observed: 1 variant allele.
Comment: PM2_supporting

PreventionGenetics, part of Exact Sciences
Classification: Uncertain significance for TMEM67-related condition. Last evaluated: 2024-07-29. Review status: no assertion criteria provided. Collection method: clinical testing. Allele origin: germline. Not counted in ClinVar's aggregate classification.
Comment: The TMEM67 c.1268A>G variant is predicted to result in the amino acid substitution p.Asn423Ser. To our knowledge, this variant has not been reported in the literature or in a large population database, indicating this variant is rare. At this time, the clinical significance of this variant is uncertain due to the absence of conclusive functional and genetic evidence.